The following is an entry in ClinVar:

ClinVar aggregate classification (germline): Uncertain significance. Review status: criteria provided, multiple submitters, no conflicts (2 of 4 stars). 2 submissions from 2 submitters: Uncertain significance (2). Last evaluated 2025-06-25.

Conditions:
ALPK1-related disorder. Also called: ALPK1-related condition.

Allele frequency attached by ClinVar (database versions not stated): gnomAD 0.00001; ExAC 0.00002; TOPMed 0.00002.
gnomAD v4.1: 95 of 1,614,034 alleles (0.0059%); highest among the groups gnomAD compares: Non-Finnish European, 0.0078%; no homozygotes.

Submissions (2):

PreventionGenetics, part of Exact Sciences
Classification: Uncertain significance for ALPK1-related condition. Last evaluated: 2025-06-25. Review status: criteria provided, single submitter. Criteria: ACMG Guidelines, 2015. Collection method: clinical testing. Allele origin: germline.
Comment: The ALPK1 c.2009C>T variant is predicted to result in the amino acid substitution p.Pro670Leu. To our knowledge, this variant has not been reported in the literature. This variant is reported in 0.0080% of alleles in individuals of African descent in gnomAD. At this time, the clinical significance of this variant is uncertain due to the absence of conclusive functional and genetic evidence.

Labcorp Genetics (formerly Invitae), Labcorp
Classification: Uncertain significance. Last evaluated: 2023-05-27. Review status: criteria provided, single submitter. Criteria: Invitae Variant Classification Sherloc (09022015). Collection method: clinical testing. Allele origin: germline.
Comment: ClinVar contains an entry for this variant (Variation ID: 2153450). In summary, the available evidence is currently insufficient to determine the role of this variant in disease. Therefore, it has been classified as a Variant of Uncertain Significance. Advanced modeling of protein sequence and biophysical properties (such as structural, functional, and spatial information, amino acid conservation, physicochemical variation, residue mobility, and thermodynamic stability) performed at Invitae indicates that this missense variant is not expected to disrupt ALPK1 protein function. This variant has not been reported in the literature in individuals affected with ALPK1-related conditions. This variant is present in population databases (rs769313768, gnomAD 0.008%). This sequence change replaces proline, which is neutral and non-polar, with leucine, which is neutral and non-polar, at codon 670 of the ALPK1 protein (p.Pro670Leu).

NM_025144.4(ALPK1):c.2009C>T (p.Pro670Leu)

Gene: ALPK1 (alpha kinase 1; plus strand). Cytogenetic location: 4q25.
Variant type: single nucleotide variant.
Coding change: c.2009C>T on transcript NM_025144.4 (MANE Select); coding-DNA position 2009, C replaced by T.
Protein change: p.Pro670Leu; replaces proline 670 with leucine.
Molecular consequence: missense variant.
Genome position (GRCh38, 1-based): chr4:112,431,556, C>T. VCF-style: chr4-112431556-C-T. GRCh37 (hg19) VCF-style: chr4-113352712-C-T.
Other names: c.2009C>T (NM_001102406.1); c.2009C>T, p.Pro670Leu (NM_001102406.2); c.1775C>T, p.Pro592Leu (NM_001253884.2); short protein forms P592L, P670L.
Identifiers: ClinVar variation 2153450 (VCV002153450.5), dbSNP rs769313768, ClinGen allele CA3046839.
Genomic context (GRCh38, chr4:112,431,556, plus strand): 5'-TTCAGGAACCCAACAATGACAATTTGGAGCCTTCTCAAAATCAGCCACAGCAACAGATGC[C>T]CTTGACACCCTTCTCGCCTCATAATACCCCAGGCATTTTCTTGGCCCCTGGTGCAGGGCT-3'
Protein context (NP_079420.3, residues 660-680): PSQNQPQQQM[Pro670Leu]LTPFSPHNTP